The following is an entry in ClinVar:

ClinVar aggregate classification (germline): Uncertain significance (1 of 4 stars; one submission).

Submission:

Labcorp Genetics (formerly Invitae), Labcorp
Classification: Uncertain significance. Last evaluated: 2023-11-27. Review status: criteria provided, single submitter. Criteria: Invitae Variant Classification Sherloc (09022015). Collection method: clinical testing. Allele origin: germline.
Comment: This sequence change replaces valine, which is neutral and non-polar, with leucine, which is neutral and non-polar, at codon 407 of the MPDZ protein (p.Val407Leu). This variant is not present in population databases (gnomAD no frequency). This variant has not been reported in the literature in individuals affected with MPDZ-related conditions. ClinVar contains an entry for this variant (Variation ID: 1961581). An algorithm developed to predict the effect of missense changes on protein structure and function (PolyPhen-2) suggests that this variant is likely to be tolerated. In summary, the available evidence is currently insufficient to determine the role of this variant in disease. Therefore, it has been classified as a Variant of Uncertain Significance.

NM_001378778.1(MPDZ):c.1219G>C (p.Val407Leu)

Gene: MPDZ (multiple PDZ domain crumbs cell polarity complex component; minus strand). Cytogenetic location: 9p23.
Variant type: single nucleotide variant.
Coding change: c.1219G>C on transcript NM_001378778.1 (MANE Select); coding-DNA position 1219, G replaced by C.
Protein change: p.Val407Leu; replaces valine 407 with leucine.
Molecular consequence: missense variant.
Genome position (GRCh38, 1-based): chr9:13,216,845, C>G on the plus strand (G>C on the coding strand, the complement: MPDZ is on the minus strand). VCF-style: chr9-13216845-C-G. GRCh37 (hg19) VCF-style: chr9-13216844-C-G.
Other names: c.1219G>C, p.Val407Leu (NM_001261406.2, NM_001261407.2, NM_001330637.2 and 14 more transcripts); short protein forms V407L.
Identifiers: ClinVar variation 1961581 (VCV001961581.5), dbSNP rs769363222, ClinGen allele CA372944671.